The following continues an entry in ClinVar:

NM_000059.4(BRCA2):c.9699_9702del (p.Cys3233fs)

Gene: BRCA2. ClinVar aggregate classification (germline): Likely pathogenic. Likely pathogenic (1).

Submissions 12 to 19 of 34:

Women's Health and Genetics/Laboratory Corporation of America, LabCorp
Classification: Uncertain significance. Last evaluated: 2024-05-30. Review status: criteria provided, single submitter. Criteria: LabCorp Variant Classification Summary - May 2015. Collection method: clinical testing. Allele origin: germline. Not counted in ClinVar's aggregate classification.
Comment: Variant summary: BRCA2 c.9699_9702delTATG (p.Cys3233TrpfsX15) results in a premature termination codon located in the BRCA2 C-terminal domain encoded by exon 27 that contains a nuclear localization signal, interacts with RAD51 in a CDK-dependent manner, and is required for maintaining genomic stability after DNA damage. Truncations downstream of this position have been classified as pathogenic by our laboratory and cited in HBOC patients. 2/4 splicing prediction tools predict that this variant may strengthen a cryptic 3' splicing acceptor site, which may lead to alternative start of exon 27 and frameshift. However, no alternatively spliced transcripts were detected for this variant (Biswas_2020). This variant was predicted not to result in Nonsense-Mediated Decay and associated with stable mutant proteins (Rebbeck_2018). The variant allele was found at a frequency of 6.4e-05 in 250272 control chromosomes (gnomAD). This frequency is not significantly higher than estimated for a pathogenic variant in BRCA2 causing Hereditary Breast and Ovarian Cancer (6.4e-05 vs 0.00075), allowing no conclusion about variant significance. The variant, c.9699_9702delTATG, has been reported in the literature in individuals affected with Breast and Ovarian Cancer (example, Castera_2014, Rosenthal_2015, Kan_2015, Alemar_2017, Bunnell_2017, Rebbeck_2018, Palmero_2018, Delgado-Balderas_2018, Heramb_2018, Le Page_2019, Turner_2019, Olafsdottir_2020, Chavarri-Guerra_2022), medulloblastoma (Waszak_2018) and intraductal papillary mucinous neoplasms (Skaro_2019). At-least one patient carried this variant along with a second BRCA2 variant (c.8878C>T, p.Gln2960X) and no associated phenotype of Fanconi Anemia (Alemar_2017). In our evaluation of this supporting literature, we conservatively ascertained at-least 11 transmissions of the variant allele and 4 transmissions of the reference allele to affected individuals in families with this variant. The ascertained penetrance of Hereditary Breast and Ovarian Cancer (0.44) due to this variant appears to be lower than expected allowing no firm conclusions from these data. Rosenthal_2015 evaluated the variant of interest and observed the variant in at least 1 Family with a suggested mild form of Fanconi Anemia. However, both siblings were reported to have had abnormal chromosome mitomycin C stress testing. The authors went on to state that they "detected this variant in 67 apparently unrelated individuals undergoing comprehensive analysis of BRCA1 and BRCA2, it has been seen in two individuals who also carry a pathogenic variant in BRCA1." The authors further evaluated the variant of interest in the Myriad database and found multiple relatives of probands that carried the variant of interest that were either affected or unaffected, along with affected individuals that did not carry the variant of interest. Therefore, the authors concluded that the variant of interest needs to be reported as a "special interpretation variant" and conclude "there is as yet no compelling hypothetical mechanism as to why BRCA2 c.9699_9702del is not causative of HBOC." "It is important to note that the variant of interest described here is yet proven to have absolutely no impact on cancer risk, although the available data in each case suggest that the risk falls far short of what is considered to be diagnostic of the associated clinical syndrome." Multiple co-occurrences with other pathogenic variants have been reported from databases and publications (Rosenthal_2015, Alemar_2017), providing supporting evidence for a benign role (UMD-BRCA1 c.3979C>T, p.Gln1327X; BIC-BRCA1 c.3759_3760delTA, p.Lys1254fsX12; Alemar_2017-BRCA2 c.8878C>T, p.Gln2960X; Rosenthal_2015-BRCA2 c.145G>T, p.Glu49*, Le Page_2019-BRCA1 c.3759_3760del, p.Lys1254fs). To our knowledge, no experimental evidence demonstrating an impact on protein function has been reported. At least one publication reports experimental evidence evaluating an impact on protein function (Biswas_2020). The most pronounced variant effect results in approximately 33% of wild type activity in ionizing radiation (IR) induced RAD51 foci formation in a Brca2 KO/KO mouse embryonic stem cell system. It was also able to rescue the lethality of Brca2 KO/KO ES cells at low levels. The following publications have been ascertained in the context of this evaluation (PMID: 29161300, 33293522, 27276934, 24549055, 35438911, 29997359, 30630528, 29339979, 29922827, 25863477, 31753525, 32939053, 29907814, 29446198, 26633542, 25639900, 27352968, 32393813, 29875428, 31658756, 29753700, 16683254). Multiple submitters including one expert panel (ENIGMA, classification dated 2016) and a consortium (CIMBA) have provided clinical-significance assessments for this variant to ClinVar (Variation ID: 38260) after 2014. The classifications are conflicting with pathogenic (to include the expert panel), likely pathogenic, and VUS. Some submitters cite overlapping evidence utilized in the context of this evaluation. A follow-up with the expert panel regarding an updated classification (ENIGMA) is pending at the time of this re-evaluation (personal correspondence). Based on equivocal evidence of co-segregation with disease, presence with co-occurring BRCA2 variants in patients with and without features of Fanconi Anemia, and the emerging functional evidence as outlined above, the variant retained its classification as a special interpretation VUS-possibly pathogenic risk variant.

Baylor Genetics
Classification: Likely pathogenic for Familial cancer of breast. Last evaluated: 2024-03-27. Review status: criteria provided, single submitter. Criteria: ACMG Guidelines, 2015. Collection method: clinical testing. Allele origin: unknown. Not counted in ClinVar's aggregate classification.

Baylor Genetics
Classification: Likely pathogenic for Breast-ovarian cancer, familial, susceptibility to, 2. Last evaluated: 2024-02-05. Review status: criteria provided, single submitter. Criteria: ACMG Guidelines, 2015. Collection method: clinical testing. Allele origin: unknown. Not counted in ClinVar's aggregate classification.

Blueprint Genetics
Classification: Uncertain significance. Last evaluated: 2023-11-03. Review status: criteria provided, single submitter. Criteria: ACMG Guidelines, 2015. Collection method: clinical testing. Allele origin: germline. Not counted in ClinVar's aggregate classification.

Clinical Genetics Laboratory, Skane University Hospital Lund
Classification: Pathogenic. Last evaluated: 2023-09-15. Review status: criteria provided, single submitter. Criteria: ACMG Guidelines, 2015. Collection method: clinical testing. Allele origin: germline. Affected: yes. Not counted in ClinVar's aggregate classification.

Neuberg Centre For Genomic Medicine, NCGM
Classification: Pathogenic for Breast-ovarian cancer, familial, susceptibility to, 2. Last evaluated: 2023-06-02. Review status: criteria provided, single submitter. Criteria: ACMG Guidelines, 2015. Collection method: clinical testing. Allele origin: germline. Inheritance: Autosomal dominant inheritance. Affected: yes. Not counted in ClinVar's aggregate classification.
Comment: The observed frameshift c.9699_9702del (p.Cys3233TrpfsTer15) variant in BRCA2 gene has been previously reported in multiple individuals affected with BRCA2-related disorders (Bunnell et al., 2017; van der Hout et al., 2006; Rebbeck et al., 2018; Rosenthal et al., 2015). Experiemntal evidence showed that this variant affects BRCA2 function (Biswas et al., 2020). The p.Cys3233TrpfsTer15 variant is present with allele frequency of 0.006% in gnomAD Exomes. This variant has been submitted to the ClinVar database as Uncertain Significance/ Likely Pathogenic/ Pathogenic (multiple submissions). This variant causes a frameshift starting with codon Cysteine 3233, changes this amino acid to Tryptophan residue, and creates a premature Stop codon at position 15 of the new reading frame, denoted p.Cys3233TrpfsTer15. This variant is predicted to cause loss of normal protein function through protein truncation. Loss of function variants in BRCA2 gene have been previously reported to be disease causing (Rosenthal et al., 2015). For these reasons, this variant has been classified as Pathogenic.

CeGaT Center for Human Genetics Tuebingen
Classification: Likely pathogenic. Last evaluated: 2023-03-01. Review status: criteria provided, single submitter. Criteria: CeGaT Center For Human Genetics Tuebingen Variant Classification Criteria Version 2. Collection method: clinical testing. Allele origin: germline. Affected: yes. Observed: 1 variant allele. Not counted in ClinVar's aggregate classification.
Comment: BRCA2: PM2, PS3:Moderate, PVS1:Moderate

Institute for Genomic Medicine (IGM) Clinical Laboratory, Nationwide Children's Hospital
Classification: Uncertain significance for Hereditary cancer-predisposing syndrome. Last evaluated: 2022-12-19. Review status: criteria provided, single submitter. Criteria: ACMG Guidelines, 2015. Collection method: clinical testing. Allele origin: germline. Not counted in ClinVar's aggregate classification.
Comment: This variant is predicted to result in loss of function through nonsense-mediated decay of the encoded transcript or premature truncation of the encoded protein in a gene in which loss of function is a known mechanism of disease (ACMG/AMP: PVS1_Strong). Well-established functional studies have demonstrated this variant to have a damaging effect on protein function or splicing (ACMG/AMP: PS3; PMID:33293522). This variant has been reported at an elevated frequency in affected individuals/in multiple affected individuals in the literature (ACMG/AMP: PS4_Moderate; PMIDs:16683254, 25639900, 25863477, 29339979, 29446198, 29875428). This variant has been observed in trans with a pathogenic variant (ACMG/AMP: PM3; PMID:25639900). This variant was seen in a healthy adult where full penetrance of the disorder is expected at an early age (ACMG/AMP: BS2; PMIDs:25639900, 29161300). This variant did not show segregation with affected family members (ACMG/AMP: BS4; PMID:25639900). This variant was found in a case with an alternate molecular basis for disease (ACMG/AMP: BP5; PMID:31753525).